The following is an entry in ClinVar:

NM_001148.6(ANK2):c.11470C>G (p.Pro3824Ala)

Gene: ANK2 (ankyrin 2; plus strand). Cytogenetic location: 4q26.
Variant type: single nucleotide variant.
Coding change: c.11470C>G on transcript NM_001148.6 (MANE Select); coding-DNA position 11470, C replaced by G.
Protein change: p.Pro3824Ala; replaces proline 3824 with alanine.
Molecular consequence: missense variant.
Genome position (GRCh38, 1-based): chr4:113,369,665, C>G. VCF-style: chr4-113369665-C-G. GRCh37 (hg19) VCF-style: chr4-114290821-C-G.
Other names: p.P3824A:CCC>GCC; c.5212C>G, p.Pro1738Ala (NM_001354246.2, NM_001354265.2, NM_001354235.2); c.5029C>G, p.Pro1677Ala (NM_001354249.2, NM_001354266.2, NM_001354267.2 and 2 more transcripts); c.5185C>G, p.Pro1729Ala (NM_001354252.2, NM_001354239.2); c.4990C>G, p.Pro1664Ala (NM_001354253.2, NM_001354270.2); c.5164C>G, p.Pro1722Ala (NM_001354254.2); c.5152C>G, p.Pro1718Ala (NM_001354255.2, NM_001386143.1, NM_001354243.2); c.5149C>G, p.Pro1717Ala (NM_001354256.2, NM_001386161.1, NM_001354244.2); and 36 more; short protein forms P1730A, P3824A, P1644A, P1661A, P1677A, P1684A, P1718A, P1722A.
Identifiers: ClinVar variation 190582 (VCV000190582.20), dbSNP rs747961230, ClinGen allele CA300963.
Genomic context (GRCh38, chr4:113,369,665, plus strand): 5'-CCTGCAGAGGAGGAGAAGCTGTACCTCCAGACCCCAACATCCAGCGAGCGGGGAGGCTCT[C>G]CCATCATACAAGAACCCGAAGAGCCCTCAGAGCACAGAGAGGAGAGCTCTCCGCGGAAAA-3'
Protein context (NP_001139.3, residues 3814-3834): TPTSSERGGS[Pro3824Ala]IIQEPEEPSE

ClinVar aggregate classification (germline): Conflicting classifications of pathogenicity. Review status: criteria provided, conflicting classifications (1 of 4 stars). 5 submissions from 5 submitters: Uncertain significance (3); Benign (1); Likely benign (1). Last evaluated 2025-12-28.

Conditions:
Cardiovascular phenotype. Identifiers: MedGen CN230736.
Long QT syndrome (LQTS). Identifiers: MedGen C0023976, MeSH D008133, MONDO:0002442. Disease mechanism: loss of function. Inheritance: Various modes of inheritance.
Cardiac arrhythmia, ankyrin-B-related. Also called: ANKYRIN-B SYNDROME. Identifiers: Orphanet 101016, Orphanet 768, MedGen C1970119, MONDO:0010958, OMIM 600919.

Allele frequency attached by ClinVar (database versions not stated): ExAC 0.00003; TOPMed 0.00005; gnomAD exomes 0.00007.
gnomAD v4.1: 17 of 1,614,102 alleles (0.0011%); highest among the groups gnomAD compares: Admixed American, 0.028%; no homozygotes.

Submissions (5):

Labcorp Genetics (formerly Invitae), Labcorp
Classification: Uncertain significance for Long QT syndrome. Last evaluated: 2025-12-28. Review status: criteria provided, single submitter. Criteria: Invitae Variant Classification Sherloc (09022015). Collection method: clinical testing. Allele origin: germline.
Comment: This sequence change replaces proline, which is neutral and non-polar, with alanine, which is neutral and non-polar, at codon 3824 of the ANK2 protein (p.Pro3824Ala). This variant is present in population databases (rs747961230, gnomAD 0.05%), and has an allele count higher than expected for a pathogenic variant. This variant has not been reported in the literature in individuals affected with ANK2-related conditions. ClinVar contains an entry for this variant (Variation ID: 190582). An algorithm developed to predict the effect of missense changes on protein structure and function (PolyPhen-2) suggests that this variant is likely to be disruptive. In summary, the available evidence is currently insufficient to determine the role of this variant in disease. Therefore, it has been classified as a Variant of Uncertain Significance.

Ambry Genetics
Classification: Likely benign for Cardiovascular phenotype. Last evaluated: 2023-04-11. Review status: criteria provided, single submitter. Criteria: Ambry Variant Classification Scheme 2023. Collection method: clinical testing. Allele origin: germline.

Mayo Clinic Laboratories, Mayo Clinic
Classification: Uncertain significance. Last evaluated: 2020-04-09. Review status: criteria provided, single submitter. Criteria: ACMG Guidelines, 2015. Collection method: clinical testing. Allele origin: germline. Observed: 1 variant allele.

Illumina Laboratory Services, Illumina
Classification: Benign for Cardiac arrhythmia, ankyrin-B-related. Last evaluated: 2017-11-02. Review status: criteria provided, single submitter. Criteria: ICSL Variant Classification Criteria 13 December 2019. Collection method: clinical testing. Allele origin: germline.
Comment: This variant was observed as part of a predisposition screen in an ostensibly healthy population. A literature search was performed for the gene, cDNA change, and amino acid change (where applicable). No publications were found based on this search. Allele frequency data from public databases was too high to be consistent with this variant causing disease. Therefore, this variant is classified as benign.

GeneDx
Classification: Uncertain significance. Last evaluated: 2014-06-04. Review status: criteria provided, single submitter. Criteria: GeneDx Variant Classification (06012015). Collection method: clinical testing. Allele origin: germline. Affected: yes.
Comment: p.Pro3824Ala (CCC>GCC): c.11470 C>G in exon 43 of the ANK2 gene (NM_001148.4). Although rare, mutations in the ANK2 gene have been reported previously in association with LQTS (Mohler P et al., 2003). The P3824A variant has not been published as a mutation or as a benign polymorphism to our knowledge. The P3824A variant was not observed in approximately 6,500 individuals of European and African American ancestry in the NHLBI Exome Sequencing Project, indicating it is not a common benign variant in these populations. The P3824A variant is a semi-conservative amino acid substitution, which may impact secondary protein structure as these residues differ in some properties. This substitution occurs at a position that is conserved across species. In silico analysis predicts this variant is possibly damaging to the protein structure/function. Nevertheless, no missense mutations in nearby residues have been reported in association with LQTS, indicating this region of the protein may be tolerant of change.Therefore, based on the currently available information, it is unclear whether this variant is a pathogenic mutation or a rare benign variant. The variant is found in LQT panel(s).